The following is an entry in ClinVar:

NM_001127222.2(CACNA1A):c.2947_2973del (p.Ser983_Gly991del)

Gene: CACNA1A (calcium voltage-gated channel subunit alpha1 A; minus strand). Cytogenetic location: 19p13.13.
Variant type: Deletion.
Coding change: c.2947_2973del on transcript NM_001127222.2 (MANE Select); coding-DNA positions 2947 to 2973, 27 bases deleted (AGCCGGCCGGCCCGGGGCGGCGAGGGC).
Protein change: p.Ser983_Gly991del.
Molecular consequence: inframe indel (on NM_001127221.1).
Genome position (GRCh38, 1-based): chr19:13,298,660-13,298,686, GCCCTCGCCGCCCCGGGCCGGCCGGCT deleted on the plus strand (AGCCGGCCGGCCCGGGGCGGCGAGGGC on the coding strand, the reverse complement: CACNA1A is on the minus strand); deleting any 27 consecutive bases within chr19:13,298,660-13,298,694 gives the same sequence; the c. name uses the placement nearest the transcript's 3' end. VCF-style (leftmost placement, unchanged base first): chr19-13298659-CGCCCTCGCCGCCCCGGGCCGGCCGGCT-C. GRCh37 (hg19) VCF-style: chr19-13409473-CGCCCTCGCCGCCCCGGGCCGGCCGGCT-C.
Other names: c.2959_2985del, p.Ser987_Gly995del (NM_000068.4, NM_023035.3); c.2942_2968del27, p.Ser984_Gly992del (NM_001127221.1); c.2950_2976del, p.Ser984_Gly992del (NM_001127221.2, NM_001174080.2).
Identifiers: ClinVar variation 3359754 (VCV003359754.1).

ClinVar aggregate classification (germline): Uncertain significance (1 of 4 stars; one submission).

Submission:

GeneDx
Classification: Uncertain significance. Last evaluated: 2023-06-10. Review status: criteria provided, single submitter. Criteria: GeneDx Variant Classification Process June 2021. Collection method: clinical testing. Allele origin: germline. Affected: yes.
Comment: Not observed at significant frequency in large population cohorts (gnomAD); In-frame deletion of 9 amino acids in a non-repeat region; In silico analysis supports that this variant does not alter protein structure/function; Has not been previously published as pathogenic or benign to our knowledge